The following is an entry in ClinVar:

NM_001110556.2(FLNA):c.3083A>G (p.Asn1028Ser)

Gene: FLNA (filamin A; minus strand). Cytogenetic location: Xq28.
Variant type: single nucleotide variant.
Coding change: c.3083A>G on transcript NM_001110556.2 (MANE Select); coding-DNA position 3083, A replaced by G.
Protein change: p.Asn1028Ser; replaces asparagine 1028 with serine.
Molecular consequence: missense variant.
Genome position (GRCh38, 1-based): chrX:154,361,432, T>C on the plus strand (A>G on the coding strand, the complement: FLNA is on the minus strand). VCF-style: chrX-154361432-T-C. GRCh37 (hg19) VCF-style: chrX-153589800-T-C.
Other names: c.3083A>G, p.Asn1028Ser (NM_001456.4); short protein forms N1028S.
Identifiers: ClinVar variation 2114740 (VCV002114740.4), dbSNP rs2522745131, ClinGen allele CA415230507.
Genomic context (GRCh38, chrX:154,361,432, plus strand): 5'-TCATAGGTCACCTCCACCTCATAGGGCCCTTCCTCACGGGGCAGGAAGCGCACCACACTG[T>C]TGTCAGCCCCCAGGCCTGGCTCCACCTTGCAGGGCACCGCTGCACCCGAGGGGCCCACAA-3'
Protein context (NP_001104026.1, residues 1018-1038): CKVEPGLGAD[Asn1028Ser]SVVRFLPREE

ClinVar aggregate classification (germline): Uncertain significance (1 of 4 stars; one submission).

Conditions:
Melnick-Needles syndrome (MNS). Also called: MELNICK-NEEDLES OSTEODYSPLASTY; OSTEODYSPLASTY OF MELNICK AND NEEDLES; Melnick-Needles Syndrome (FLNA-MNS). Identifiers: Orphanet 2484, MedGen C0025237, MONDO:0010650, OMIM 309350.
Heterotopia, periventricular, X-linked dominant (PVNH1). Also called: PERIVENTRICULAR NODULAR HETEROTOPIA 1; X-linked periventricular heterotopia; PERIVENTRICULAR NODULAR HETEROTOPIA 4; HETEROTOPIA, PERIVENTRICULAR, 1. Identifiers: Orphanet 2149, Orphanet 82004, MedGen C1848213, MONDO:0010233, OMIM 300049.
Frontometaphyseal dysplasia (FMD1). Identifiers: Orphanet 1826, MedGen C0265293, MONDO:0015942.
Oto-palato-digital syndrome, type II (OPD2). Also called: FACIOPALATOOSSEOUS SYNDROME; OPD II SYNDROME; Otopalatodigital Syndrome Type 2 (FLNA-OPD2); Otopalatodigital Syndrome, Type II. Identifiers: Orphanet 669, Orphanet 90652, MedGen C1844696, MONDO:0010571, OMIM 304120.

Submission:

Labcorp Genetics (formerly Invitae), Labcorp
Classification: Uncertain significance for Oto-palato-digital syndrome, type II; Heterotopia, periventricular, X-linked dominant; Frontometaphyseal dysplasia; Melnick-Needles syndrome. Last evaluated: 2022-03-19. Review status: criteria provided, single submitter. Criteria: Invitae Variant Classification Sherloc (09022015). Collection method: clinical testing. Allele origin: germline.
Comment: In summary, the available evidence is currently insufficient to determine the role of this variant in disease. Therefore, it has been classified as a Variant of Uncertain Significance. Advanced modeling of protein sequence and biophysical properties (such as structural, functional, and spatial information, amino acid conservation, physicochemical variation, residue mobility, and thermodynamic stability) performed at Invitae indicates that this missense variant is not expected to disrupt FLNA protein function. This variant has not been reported in the literature in individuals affected with FLNA-related conditions. This variant is not present in population databases (gnomAD no frequency). This sequence change replaces asparagine, which is neutral and polar, with serine, which is neutral and polar, at codon 1028 of the FLNA protein (p.Asn1028Ser).